The following is an entry in ClinVar:

NM_004304.5(ALK):c.961C>T (p.Leu321Phe)

Gene: ALK (ALK receptor tyrosine kinase; minus strand). Cytogenetic location: 2p23.2.
Variant type: single nucleotide variant.
Coding change: c.961C>T on transcript NM_004304.5 (MANE Select); coding-DNA position 961, C replaced by T.
Protein change: p.Leu321Phe; replaces leucine 321 with phenylalanine.
Molecular consequence: missense variant.
Genome position (GRCh38, 1-based): chr2:29,532,108, G>A on the plus strand (C>T on the coding strand, the complement: ALK is on the minus strand). VCF-style: chr2-29532108-G-A. GRCh37 (hg19) VCF-style: chr2-29754974-G-A.
Other names: c.961C>T (NM_004304.4); short protein forms L321F.
Identifiers: ClinVar variation 2118937 (VCV002118937.5), dbSNP rs2465284612, ClinGen allele CA346587572.
Genomic context (GRCh38, chr2:29,532,108, plus strand): 5'-TGCTCCTCATCCACGGACTCAGGATGGTGTGCTTGGAGTCAGCTGAGGTGTTGAGAAGGA[G>A]AAAGGAGCCTGGAAAGAGACAGGGAAAACGAATCTGCAGATGTGTTCAGGTAAGACCAGC-3'
Protein context (NP_004295.2, residues 311-331): RSKEMPRGSF[Leu321Phe]LLNTSADSKH

ClinVar aggregate classification (germline): Uncertain significance. Review status: criteria provided, multiple submitters, no conflicts (2 of 4 stars). 2 submissions from 2 submitters: Uncertain significance (2). Last evaluated 2024-10-25.

Conditions:
Neuroblastoma, susceptibility to, 3. Also called: ALK-Related Neuroblastic Tumor Susceptibility. Identifiers: Orphanet 635, MedGen C2751681, MONDO:0013083, OMIM 613014.
Hereditary cancer-predisposing syndrome. Also called: Tumor predisposition; Hereditary Cancer Syndrome; Neoplastic Syndromes, Hereditary; Hereditary neoplastic syndrome. Identifiers: Orphanet 140162, MedGen C0027672, MeSH D009386, MONDO:0015356.

Allele frequency attached by ClinVar (database versions not stated): gnomAD exomes below 0.00001.
gnomAD v4.1: 1 of 1,614,034 alleles (0.000062%); highest among the groups gnomAD compares: Non-Finnish European, 0.000085%; no homozygotes.

Submissions (2):

Ambry Genetics
Classification: Uncertain significance for Hereditary cancer-predisposing syndrome. Last evaluated: 2024-10-25. Review status: criteria provided, single submitter. Criteria: Ambry Variant Classification Scheme 2023. Collection method: clinical testing. Allele origin: germline.
Comment: The p.L321F variant (also known as c.961C>T), located in coding exon 4 of the ALK gene, results from a C to T substitution at nucleotide position 961. The leucine at codon 321 is replaced by phenylalanine, an amino acid with highly similar properties. This amino acid position is conserved. In addition, this alteration is predicted to be tolerated by in silico analysis. Based on the available evidence, the clinical significance of this variant remains unclear.

Labcorp Genetics (formerly Invitae), Labcorp
Classification: Uncertain significance for Neuroblastoma, susceptibility to, 3. Last evaluated: 2022-06-29. Review status: criteria provided, single submitter. Criteria: Invitae Variant Classification Sherloc (09022015). Collection method: clinical testing. Allele origin: germline.
Comment: This sequence change replaces leucine, which is neutral and non-polar, with phenylalanine, which is neutral and non-polar, at codon 321 of the ALK protein (p.Leu321Phe). This variant is not present in population databases (gnomAD no frequency). In summary, the available evidence is currently insufficient to determine the role of this variant in disease. Therefore, it has been classified as a Variant of Uncertain Significance. Algorithms developed to predict the effect of missense changes on protein structure and function are either unavailable or do not agree on the potential impact of this missense change (SIFT: "Deleterious"; PolyPhen-2: "Probably Damaging"; Align-GVGD: "Class C0"). This variant has not been reported in the literature in individuals affected with ALK-related conditions.